The following is an entry in ClinVar:

ClinVar aggregate classification (germline): Uncertain significance (1 of 4 stars; one submission).

Conditions:
Ataxia-telangiectasia syndrome (AT). Also called: Ataxia-telangiectasia; AT, COMPLEMENTATION GROUP C; ATAXIA-TELANGIECTASIA, COMPLEMENTATION GROUP A; ATAXIA-TELANGIECTASIA, FRESNO VARIANT; Ataxia-telangiectasia, complementation group E; LOUIS-BAR SYNDROME. Identifiers: Orphanet 100, MedGen C0004135, MONDO:0008840, OMIM 208900.

Submission:

Labcorp Genetics (formerly Invitae), Labcorp
Classification: Uncertain significance for Ataxia-telangiectasia syndrome. Last evaluated: 2022-03-20. Review status: criteria provided, single submitter. Criteria: Invitae Variant Classification Sherloc (09022015). Collection method: clinical testing. Allele origin: germline.
Comment: In summary, the available evidence is currently insufficient to determine the role of this variant in disease. Therefore, it has been classified as a Variant of Uncertain Significance. Advanced modeling of protein sequence and biophysical properties (such as structural, functional, and spatial information, amino acid conservation, physicochemical variation, residue mobility, and thermodynamic stability) performed at Invitae indicates that this missense variant is not expected to disrupt ATM protein function. This variant has not been reported in the literature in individuals affected with ATM-related conditions. This variant is not present in population databases (gnomAD no frequency). This sequence change replaces glutamic acid, which is acidic and polar, with glycine, which is neutral and non-polar, at codon 1220 of the ATM protein (p.Glu1220Gly).

NM_000051.4(ATM):c.3659A>G (p.Glu1220Gly)

Gene: ATM (ATM serine/threonine kinase; plus strand). Cytogenetic location: 11q22.3.
Variant type: single nucleotide variant.
Coding change: c.3659A>G on transcript NM_000051.4 (MANE Select); coding-DNA position 3659, A replaced by G.
Protein change: p.Glu1220Gly; replaces glutamic acid 1220 with glycine.
Molecular consequence: missense variant.
Genome position (GRCh38, 1-based): chr11:108,282,792, A>G. VCF-style: chr11-108282792-A-G. GRCh37 (hg19) VCF-style: chr11-108153519-A-G.
Other names: c.3659A>G, p.Glu1220Gly (NM_001351834.2); short protein forms E1220G.
Identifiers: ClinVar variation 2115068 (VCV002115068.4), dbSNP rs2135689032, ClinGen allele CA382523053.